The following is an entry in ClinVar:

ClinVar aggregate classification (germline): Likely benign. Review status: criteria provided, multiple submitters, no conflicts (2 of 4 stars). 2 submissions from 2 submitters: Likely benign (2). Last evaluated 2023-11-20.

Conditions:
Hypertrophic cardiomyopathy. Also called: HYPERTROPHIC MYOCARDIOPATHY. Identifiers: Orphanet 217569, MedGen C0007194, MeSH D002312, MONDO:0005045, HP:0001639.
Cardiomyopathy (CMYO). Also called: Cardiomyopathies. Identifiers: Orphanet 167848, MedGen C0878544, MONDO:0004994, HP:0001638. Inheritance: Various modes of inheritance.

Submissions (2):

All of Us Research Program, National Institutes of Health
Classification: Likely benign for Hypertrophic cardiomyopathy. Last evaluated: 2023-11-20. Review status: criteria provided, single submitter. Criteria: ACMG Guidelines, 2015. Collection method: clinical testing. Allele origin: germline. Inheritance: Autosomal dominant inheritance. Observed: 1 variant allele, 1 heterozygote.
Comment: This study involves interpretation of variants in research participants for the purpose of population health screening. Participant phenotype was not available at the time of variant classification. Additional details can be found in publication PMID: 35346344, PMCID: PMC8962531

Color Diagnostics, LLC DBA Color Health
Classification: Likely benign for Cardiomyopathy. Last evaluated: 2022-05-27. Review status: criteria provided, single submitter. Criteria: ACMG Guidelines, 2015. Collection method: clinical testing. Allele origin: germline.

NM_000258.3(MYL3):c.312C>T (p.Leu104=)

Gene: MYL3 (myosin light chain 3; minus strand). Cytogenetic location: 3p21.31.
Variant type: single nucleotide variant.
Coding change: c.312C>T on transcript NM_000258.3 (MANE Select); coding-DNA position 312, C replaced by T.
Protein change: p.Leu104=; no amino-acid change (leucine 104 retained).
Molecular consequence: synonymous variant.
Genome position (GRCh38, 1-based): chr3:46,859,644, G>A on the plus strand (C>T on the coding strand, the complement: MYL3 is on the minus strand). VCF-style: chr3-46859644-G-A. GRCh37 (hg19) VCF-style: chr3-46901134-G-A.
Other names: c.312C>T, p.Leu104= (NM_001406937.1, NM_001406938.1, NM_001406939.1); c.138C>T, p.Leu46= (NM_001406940.1, NM_001406941.1).
Identifiers: ClinVar variation 3075508 (VCV003075508.2), dbSNP rs1701969514, ClinGen allele CA433474471.